The following is an entry in ClinVar:

NM_000053.4(ATP7B):c.546G>A (p.Glu182=)

Gene: ATP7B (ATPase copper transporting beta; minus strand). Cytogenetic location: 13q14.3.
Variant type: single nucleotide variant.
Coding change: c.546G>A on transcript NM_000053.4 (MANE Select); coding-DNA position 546, G replaced by A.
Protein change: p.Glu182=; no amino-acid change (glutamic acid 182 retained).
Molecular consequence: synonymous variant.
Genome position (GRCh38, 1-based): chr13:51,974,674, C>T on the plus strand (G>A on the coding strand, the complement: ATP7B is on the minus strand). VCF-style: chr13-51974674-C-T. GRCh37 (hg19) VCF-style: chr13-52548810-C-T.
Other names: c.450G>A, p.Glu150= (NM_001406536.1, NM_001406539.1, NM_001406543.1 and 4 more transcripts); c.546G>A, p.Glu182= (NM_001406537.1, NM_001406538.1, NM_001406540.1 and 30 more transcripts).
Identifiers: ClinVar variation 3070735 (VCV003070735.2), dbSNP rs750577027, ClinGen allele CA250067430.

ClinVar aggregate classification (germline): Likely benign. Review status: criteria provided, multiple submitters, no conflicts (2 of 4 stars). 2 submissions from 2 submitters: Likely benign (2). Last evaluated 2025-12-18.

Conditions:
Wilson disease (WND). Also called: Wilson's disease. Identifiers: Orphanet 905, MedGen C0019202, MONDO:0010200, OMIM 277900. Disease mechanism: loss of function.

Allele frequency attached by ClinVar (database versions not stated): gnomAD exomes below 0.00001.
gnomAD v4.1: 4 of 1,611,096 alleles (0.00025%); highest among the groups gnomAD compares: Non-Finnish European, 0.00034%; no homozygotes.

Submissions (2):

Labcorp Genetics (formerly Invitae), Labcorp
Classification: Likely benign for Wilson disease. Last evaluated: 2025-12-18. Review status: criteria provided, single submitter. Criteria: Invitae Variant Classification Sherloc (09022015). Collection method: clinical testing. Allele origin: germline.

All of Us Research Program, National Institutes of Health
Classification: Likely benign for Wilson disease. Last evaluated: 2023-05-04. Review status: criteria provided, single submitter. Criteria: ACMG Guidelines, 2015. Collection method: clinical testing. Allele origin: germline. Inheritance: Autosomal recessive inheritance. Observed: 1 variant allele, 1 heterozygote.
Comment: This study involves interpretation of variants in research participants for the purpose of population health screening. Participant phenotype was not available at the time of variant classification. Additional details can be found in publication PMID: 35346344, PMCID: PMC8962531